The following is an entry in ClinVar:

ClinVar aggregate classification (germline): Uncertain significance (1 of 4 stars; one submission).

Conditions:
Cardiovascular phenotype. Identifiers: MedGen CN230736.
Hereditary cancer-predisposing syndrome. Also called: Tumor predisposition; Neoplastic Syndromes, Hereditary; Hereditary Cancer Syndrome; Hereditary neoplastic syndrome. Identifiers: Orphanet 140162, MedGen C0027672, MeSH D009386, MONDO:0015356.

Submission:

Ambry Genetics
Classification: Uncertain significance for Cardiovascular phenotype; Hereditary cancer-predisposing syndrome. Last evaluated: 2024-12-22. Review status: criteria provided, single submitter. Criteria: Ambry Variant Classification Scheme 2023. Collection method: clinical testing. Allele origin: germline.
Comment: The p.L1772V variant (also known as c.5314C>G), located in coding exon 37 of the NF1 gene, results from a C to G substitution at nucleotide position 5314. The leucine at codon 1772 is replaced by valine, an amino acid with highly similar properties. This amino acid position is conserved. In addition, the in silico prediction for this alteration is inconclusive. Based on the available evidence, the clinical significance of this variant remains unclear.

NM_001042492.3(NF1):c.5377C>G (p.Leu1793Val)

Gene: NF1 (neurofibromin 1; plus strand). Cytogenetic location: 17q11.2.
Variant type: single nucleotide variant.
Coding change: c.5377C>G on transcript NM_001042492.3 (MANE Select); coding-DNA position 5377, C replaced by G.
Protein change: p.Leu1793Val; replaces leucine 1793 with valine.
Molecular consequence: missense variant.
Genome position (GRCh38, 1-based): chr17:31,327,607, C>G. VCF-style: chr17-31327607-C-G. GRCh37 (hg19) VCF-style: chr17-29654625-C-G.
Other names: c.5314C>G, p.Leu1772Val (NM_000267.4); short protein forms L1793V, L1772V.
Identifiers: ClinVar variation 3879019 (VCV003879019.1).